The following is an entry in ClinVar:

ClinVar aggregate classification (germline): Uncertain significance (1 of 4 stars; one submission).

Conditions:
Rhabdoid tumor predisposition syndrome 2 (RTPS2). Identifiers: Orphanet 231108, Orphanet 69077, MedGen C2750074, MONDO:0013224, OMIM 613325.

gnomAD v4.1: 1 of 1,541,504 alleles (0.000065%); highest among the groups gnomAD compares: Admixed American, 0.002%; no homozygotes.

Submission:

Labcorp Genetics (formerly Invitae), Labcorp
Classification: Uncertain significance for Rhabdoid tumor predisposition syndrome 2. Last evaluated: 2022-10-12. Review status: criteria provided, single submitter. Criteria: Invitae Variant Classification Sherloc (09022015). Collection method: clinical testing. Allele origin: germline.
Comment: In summary, the available evidence is currently insufficient to determine the role of this variant in disease. Therefore, it has been classified as a Variant of Uncertain Significance. Advanced modeling of protein sequence and biophysical properties (such as structural, functional, and spatial information, amino acid conservation, physicochemical variation, residue mobility, and thermodynamic stability) performed at Invitae indicates that this missense variant is not expected to disrupt SMARCA4 protein function. This variant has not been reported in the literature in individuals affected with SMARCA4-related conditions. This variant is present in population databases (no rsID available, gnomAD 0.004%). This sequence change replaces glycine, which is neutral and non-polar, with alanine, which is neutral and non-polar, at codon 233 of the SMARCA4 protein (p.Gly233Ala).

NM_003072.5(SMARCA4):c.698G>C (p.Gly233Ala)

Gene: SMARCA4 (SWI/SNF related BAF chromatin remodeling complex subunit ATPase 4; plus strand). Cytogenetic location: 19p13.2.
Variant type: single nucleotide variant.
Coding change: c.698G>C on transcript NM_003072.5 (MANE Select); coding-DNA position 698, G replaced by C.
Protein change: p.Gly233Ala; replaces glycine 233 with alanine.
Molecular consequence: missense variant. On other transcripts: non-coding transcript variant (1).
Genome position (GRCh38, 1-based): chr19:10,986,531, G>C. VCF-style: chr19-10986531-G-C. GRCh37 (hg19) VCF-style: chr19-11097207-G-C.
Other names: c.698G>C, p.Gly233Ala (NM_001128844.3, NM_001128845.2, NM_001128846.2 and 6 more transcripts); short protein forms G233A.
Identifiers: ClinVar variation 1721467 (VCV001721467.5), dbSNP rs878854238, ClinGen allele CA404057059.